The following is an entry in ClinVar:

ClinVar aggregate classification (germline): Uncertain significance (1 of 4 stars; one submission).

Allele frequency attached by ClinVar (database versions not stated): gnomAD 0.00001; TOPMed 0.00001; ExAC 0.00003; ESP Exome Variant Server 0.00008.
gnomAD v4.1: 17 of 1,611,304 alleles (0.0011%); highest among the groups gnomAD compares: South Asian, 0.0088%; no homozygotes.

Submission:

Labcorp Genetics (formerly Invitae), Labcorp
Classification: Uncertain significance. Last evaluated: 2025-06-16. Review status: criteria provided, single submitter. Criteria: Invitae Variant Classification Sherloc (09022015). Collection method: clinical testing. Allele origin: germline.
Comment: This sequence change replaces glycine, which is neutral and non-polar, with serine, which is neutral and polar, at codon 648 of the CAMK2B protein (p.Gly648Ser). This variant is present in population databases (rs368245002, gnomAD 0.004%). This variant has not been reported in the literature in individuals affected with CAMK2B-related conditions. ClinVar contains an entry for this variant (Variation ID: 1898826). An algorithm developed to predict the effect of missense changes on protein structure and function (PolyPhen-2) suggests that this variant is likely to be disruptive. In summary, the available evidence is currently insufficient to determine the role of this variant in disease. Therefore, it has been classified as a Variant of Uncertain Significance.

NM_001220.5(CAMK2B):c.1942G>A (p.Gly648Ser)

Gene: CAMK2B (calcium/calmodulin dependent protein kinase II beta; minus strand). Cytogenetic location: 7p13.
Variant type: single nucleotide variant.
Coding change: c.1942G>A on transcript NM_001220.5 (MANE Select); coding-DNA position 1942, G replaced by A.
Protein change: p.Gly648Ser; replaces glycine 648 with serine.
Molecular consequence: missense variant.
Genome position (GRCh38, 1-based): chr7:44,220,121, C>T on the plus strand (G>A on the coding strand, the complement: CAMK2B is on the minus strand). VCF-style: chr7-44220121-C-T. GRCh37 (hg19) VCF-style: chr7-44259720-C-T.
Other names: c.1570G>A, p.Gly524Ser (NM_001293170.2, NM_172078.3); c.1498G>A, p.Gly500Ser (NM_172079.3); c.1495G>A, p.Gly499Ser (NM_172080.3); c.1453G>A, p.Gly485Ser (NM_172081.3); c.1420G>A, p.Gly474Ser (NM_172082.3); c.1381G>A, p.Gly461Ser (NM_172083.3); c.1291G>A, p.Gly431Ser (NM_172084.3); short protein forms G474S, G485S, G500S, G431S, G648S, G461S, G499S, G524S.
Identifiers: ClinVar variation 1898826 (VCV001898826.5), dbSNP rs368245002, ClinGen allele CA4240054.